The following is an entry in ClinVar:

ClinVar aggregate classification (germline): Uncertain significance (1 of 4 stars; one submission).

Conditions:
Inborn genetic diseases. Identifiers: MedGen C0950123, MeSH D030342.

Submission:

Ambry Genetics
Classification: Uncertain significance for Inborn genetic diseases. Last evaluated: 2026-02-13. Review status: criteria provided, single submitter. Criteria: Ambry Variant Classification Scheme 2023. Collection method: clinical testing. Allele origin: germline.
Comment: The p.L390V variant (also known as c.1168C>G), located in coding exon 5 of the SH2B3 gene, results from a C to G substitution at nucleotide position 1168. The leucine at codon 390 is replaced by valine, an amino acid with highly similar properties. This amino acid position is conserved. In addition, this alteration is predicted to be deleterious by in silico analysis. Based on the available evidence, the clinical significance of this variant remains unclear.

NM_005475.3(SH2B3):c.1168C>G (p.Leu390Val)

Gene: SH2B3 (SH2B adaptor protein 3; plus strand). Cytogenetic location: 12q24.12.
Variant type: single nucleotide variant.
Coding change: c.1168C>G on transcript NM_005475.3 (MANE Select); coding-DNA position 1168, C replaced by G.
Protein change: p.Leu390Val; replaces leucine 390 with valine.
Molecular consequence: missense variant.
Genome position (GRCh38, 1-based): chr12:111,447,476, C>G. VCF-style: chr12-111447476-C-G. GRCh37 (hg19) VCF-style: chr12-111885280-C-G.
Other names: c.562C>G, p.Leu188Val (NM_001291424.1); short protein forms L390V, L188V.
Identifiers: ClinVar variation 4824360 (VCV004824360.1).